The following is an entry in ClinVar:

ClinVar aggregate classification (germline): Likely pathogenic (1 of 4 stars; one submission).

Submission:

Labcorp Genetics (formerly Invitae), Labcorp
Classification: Likely pathogenic. Last evaluated: 2024-01-10. Review status: criteria provided, single submitter. Criteria: Invitae Variant Classification Sherloc (09022015). Collection method: clinical testing. Allele origin: germline.
Comment: This variant results in the deletion of part of exon 20 (c.2813_2813+1delinsCT) of the MSH3 gene. It is expected to disrupt RNA splicing. Variants that disrupt the donor or acceptor splice site typically lead to a loss of protein function (PMID: 16199547), and loss-of-function variants in MSH3 are known to be pathogenic (PMID: 27476653, 37402566). Information on the frequency of this variant in the gnomAD database is not available, as this variant may be reported differently in the database. This variant has not been reported in the literature in individuals affected with MSH3-related conditions. In summary, the currently available evidence indicates that the variant is pathogenic, but additional data are needed to prove that conclusively. Therefore, this variant has been classified as Likely Pathogenic.

Literature cited by the submitters: PubMed 16199547; PubMed 27476653; PubMed 37402566.

NM_002439.5(MSH3):c.2813_2813+1delinsCT

Gene: MSH3 (mutS homolog 3; plus strand). Cytogenetic location: 5q14.1.
Variant type: Indel.
Coding change: c.2813_2813+1delinsCT on transcript NM_002439.5 (MANE Select); coding-DNA position 2813 through the canonical splice donor site of the intron after coding-DNA position 2813, GG replaced by CT.
Molecular consequence: splice donor variant.
Genome position (GRCh38, 1-based): chr5:80,813,741-80,813,742, GG replaced by CT. VCF-style: chr5-80813741-GG-CT. GRCh37 (hg19) VCF-style: chr5-80109560-GG-CT.
Identifiers: ClinVar variation 2708690 (VCV002708690.3), dbSNP rs2546797471, ClinGen allele CA2697546218.